The following is an entry in ClinVar:

NM_000558.5(HBA1):c.386T>C (p.Phe129Ser)

Genes: HBA1 (hemoglobin subunit alpha 1; plus strand), LOC106804613 (hemoglobin subunit alpha 1 recombination region; plus strand). Cytogenetic location: 16p13.3.
Variant type: single nucleotide variant.
Coding change: c.386T>C on transcript NM_000558.5 (MANE Select); coding-DNA position 386, T replaced by C.
Protein change: p.Phe129Ser; replaces phenylalanine 129 with serine.
Molecular consequence: missense variant.
Genome position (GRCh38, 1-based): chr16:177,368, T>C. VCF-style: chr16-177368-T-C. GRCh37 (hg19) VCF-style: chr16-227367-T-C.
Other names: short protein forms F129S.
Identifiers: ClinVar variation 4074262 (VCV004074262.1), dbSNP rs604131.

ClinVar aggregate classification (germline): Likely pathogenic (0 of 4 stars; one submission).

Conditions:
alpha Thalassemia. Also called: Alpha thalassemia spectrum. Identifiers: Orphanet 846, MedGen C0002312, MONDO:0011399, OMIM 604131.

Submission:

Precision Medicine Lab Center, Yangjiang People's Hospital
Classification: Likely pathogenic for alpha Thalassemia. Last evaluated: 2024-06-03. Review status: no assertion criteria provided. Collection method: clinical testing. Allele origin: germline. Affected: yes. Observed: 1 variant allele.
Comment: Common types of thalassemia were not detected by routine testing methods. Third-generation sequencing identified a heterozygous mutation of HBA1:c.386T>C, leading to the amino acid coding change from Phe to Ser.